The following is an entry in ClinVar:

ClinVar aggregate classification (germline): Uncertain significance (1 of 4 stars; one submission).

Allele frequency attached by ClinVar (database versions not stated): gnomAD exomes below 0.00001.
gnomAD v4.1: 1 of 1,614,060 alleles (0.000062%); highest among the groups gnomAD compares: South Asian, 0.0011%; no homozygotes.

Submission:

GeneDx
Classification: Uncertain significance. Last evaluated: 2023-09-28. Review status: criteria provided, single submitter. Criteria: GeneDx Variant Classification Process June 2021. Collection method: clinical testing. Allele origin: germline. Affected: yes.
Comment: Not observed at significant frequency in large population cohorts (gnomAD); In silico analysis supports that this missense variant has a deleterious effect on protein structure/function; Has not been previously published as pathogenic or benign to our knowledge

NM_001374353.1(GLI2):c.41A>G (p.Glu14Gly)

Gene: GLI2 (GLI family zinc finger 2; plus strand). Cytogenetic location: 2q14.2.
Variant type: single nucleotide variant.
Coding change: c.41A>G on transcript NM_001374353.1 (MANE Select); coding-DNA position 41, A replaced by G.
Protein change: p.Glu14Gly; replaces glutamic acid 14 with glycine.
Molecular consequence: missense variant. On other transcripts: 5 prime UTR variant (1).
Genome position (GRCh38, 1-based): chr2:120,797,361, A>G. VCF-style: chr2-120797361-A-G. GRCh37 (hg19) VCF-style: chr2-121554937-A-G.
Other names: c.41A>G, p.Glu14Gly (NM_001371271.1, NM_005270.5); c.-229A>G (NM_001374354.1); short protein forms E14G.
Identifiers: ClinVar variation 1313245 (VCV001313245.4), dbSNP rs1684444560, ClinGen allele CA348196559.
Genomic context (GRCh38, chr2:120,797,361, plus strand): 5'-CAGGACGATGAGCGGCTGAGATGGAGACGTCTGCCTCAGCCACTGCCTCCGAGAAGCAAG[A>G]AGCCAAAAGTGGGATCCTGGAGGCCGCTGGCTTCCCCGACCCGGGTAAAAAGGCCTCTCC-3'
Protein context (NP_001361282.1, residues 4-24): SASATASEKQ[Glu14Gly]AKSGILEAAG